The following is an entry in ClinVar:

ClinVar aggregate classification (germline): Uncertain significance (1 of 4 stars; one submission).

Conditions:
Paroxysmal nonkinesigenic dyskinesia. Also called: Paroxysmal non-kinesigenic dyskinesia. Identifiers: Orphanet 98810, MedGen C1869117, MONDO:0700088.

Allele frequency attached by ClinVar (database versions not stated): TOPMed below 0.00001; ExAC 0.00004.
gnomAD v4.1: 14 of 1,597,720 alleles (0.00088%); highest among the groups gnomAD compares: East Asian, 0.0023%; no homozygotes.

Submission:

Labcorp Genetics (formerly Invitae), Labcorp
Classification: Uncertain significance for Paroxysmal nonkinesigenic dyskinesia. Last evaluated: 2026-02-02. Review status: criteria provided, single submitter. Criteria: Invitae Variant Classification Sherloc (09022015). Collection method: clinical testing. Allele origin: germline.
Comment: This sequence change replaces arginine, which is basic and polar, with glutamine, which is neutral and polar, at codon 192 of the PNKD protein (p.Arg192Gln). The frequency data for this variant in the population databases is considered unreliable, as metrics indicate poor data quality at this position in the gnomAD database. This variant has not been reported in the literature in individuals affected with PNKD-related conditions. ClinVar contains an entry for this variant (Variation ID: 1981872). Invitae Evidence Modeling of protein sequence and biophysical properties (such as structural, functional, and spatial information, amino acid conservation, physicochemical variation, residue mobility, and thermodynamic stability) indicates that this missense variant is not expected to disrupt PNKD protein function with a negative predictive value of 80%. In summary, the available evidence is currently insufficient to determine the role of this variant in disease. Therefore, it has been classified as a Variant of Uncertain Significance.

NM_015488.5(PNKD):c.575G>A (p.Arg192Gln)

Genes: CATIP-AS2 (CATIP antisense RNA 2; minus strand), PNKD (PNKD metallo-beta-lactamase domain containing; plus strand). Cytogenetic location: 2q35.
Variant type: single nucleotide variant.
Coding change: c.575G>A on transcript NM_015488.5 (MANE Select); coding-DNA position 575, G replaced by A.
Protein change: p.Arg192Gln; replaces arginine 192 with glutamine.
Molecular consequence: missense variant.
Genome position (GRCh38, 1-based): chr2:218,341,584, G>A. VCF-style: chr2-218341584-G-A. GRCh37 (hg19) VCF-style: chr2-219206307-G-A.
Other names: c.503G>A, p.Arg168Gln (NM_022572.5); short protein forms R168Q, R192Q.
Identifiers: ClinVar variation 1981872 (VCV001981872.4), dbSNP rs777805823, ClinGen allele CA2104014.